The following is an entry in ClinVar:

NM_003742.4(ABCB11):c.2873G>A (p.Arg958Gln)

Genes: ABCB11 (ATP binding cassette subfamily B member 11; minus strand), LOC126806400 (CDK7 strongly-dependent group 2 enhancer GRCh37_chr2:169791870-169793069; plus strand). Cytogenetic location: 2q31.1.
Variant type: single nucleotide variant.
Coding change: c.2873G>A on transcript NM_003742.4 (MANE Select); coding-DNA position 2873, G replaced by A.
Protein change: p.Arg958Gln; replaces arginine 958 with glutamine.
Molecular consequence: missense variant.
Genome position (GRCh38, 1-based): chr2:168,935,367, C>T on the plus strand (G>A on the coding strand, the complement: ABCB11 is on the minus strand). VCF-style: chr2-168935367-C-T. GRCh37 (hg19) VCF-style: chr2-169791877-C-T.
Other names: short protein forms R958Q.
Identifiers: ClinVar variation 2159699 (VCV002159699.5), dbSNP rs761363245, ClinGen allele CA1951159.
Genomic context (GRCh38, chr2:168,935,367, plus strand): 5'-GCTTTCTGAATGGCTGTCTTGAAGGGCTTCTCCAGCTCAGTCTCAAGTGCTTCAATGAAC[C>T]GCCTCTCCTTTCCAATTCCAGCAACAGTGCGGATGTTACTGAGGGCTTCATTTGTAATCT-3'
Protein context (NP_003733.2, residues 948-968): RTVAGIGKER[Arg958Gln]FIEALETELE

ClinVar aggregate classification (germline): Conflicting classifications of pathogenicity. Review status: criteria provided, conflicting classifications (1 of 4 stars). 2 submissions from 2 submitters: Uncertain significance (1); Likely benign (1). Last evaluated 2026-04-14.

Conditions:
Familial intrahepatic cholestasis. Identifiers: Orphanet 284385, MedGen CN296401, MONDO:0017290.

Allele frequency attached by ClinVar (database versions not stated): gnomAD exomes 0.00003.
gnomAD v4.1: 52 of 1,613,846 alleles (0.0032%); highest among the groups gnomAD compares: East Asian, 0.094%; 1 homozygote.

Submissions (2):

Genomenon, Inc
Classification: Uncertain significance for Familial intrahepatic cholestasis. Last evaluated: 2026-04-14. Review status: criteria provided, single submitter. Criteria: Genomenon Sequence Variant Interpretation Standards - Updated. Collection method: curation. Allele origin: germline. Affected: no.
Comment: ABCB11 p.Arg958Gln (c.2873G>A) is a missense variant that changes the amino acid at residue 958 from Arginine to Glutamine. This variant has been reported in the published literature (PMID:22795478;19571440). In silico models predict that this variant is not damaging. In conclusion, we classify ABCB11 p.Arg958Gln (c.2873G>A) as a variant of uncertain significance.

Labcorp Genetics (formerly Invitae), Labcorp
Classification: Likely benign. Last evaluated: 2026-01-24. Review status: criteria provided, single submitter. Criteria: Invitae Variant Classification Sherloc (09022015). Collection method: clinical testing. Allele origin: germline.

Literature cited by the submitters: PubMed 22795478 (cited by Genomenon, Inc); PubMed 19571440 (cited by Genomenon, Inc).